The following is an entry in ClinVar:

ClinVar aggregate classification (germline): Uncertain significance (1 of 4 stars; one submission).

Conditions:
Short-rib thoracic dysplasia 11 with or without polydactyly (SRTD11). Also called: SHORT-RIB THORACIC DYSPLASIA 11 WITHOUT POLYDACTYLY. Identifiers: Orphanet 474, Orphanet 93271, MedGen C3810200, MONDO:0014287, OMIM 615633.

Allele frequency attached by ClinVar (database versions not stated): TOPMed 0.00002; gnomAD 0.00003 and 0.00004.
gnomAD v4.1: 53 of 1,613,398 alleles (0.0033%); highest among the groups gnomAD compares: Non-Finnish European, 0.0042%; no homozygotes.

Submission:

Labcorp Genetics (formerly Invitae), Labcorp
Classification: Uncertain significance for Short-rib thoracic dysplasia 11 with or without polydactyly. Last evaluated: 2024-10-23. Review status: criteria provided, single submitter. Criteria: Invitae Variant Classification Sherloc (09022015). Collection method: clinical testing. Allele origin: germline.
Comment: This sequence change replaces glycine, which is neutral and non-polar, with valine, which is neutral and non-polar, at codon 300 of the WDR34 protein (p.Gly300Val). This variant is present in population databases (no rsID available, gnomAD 0.01%). This variant has not been reported in the literature in individuals affected with WDR34-related conditions. ClinVar contains an entry for this variant (Variation ID: 1681220). An algorithm developed to predict the effect of missense changes on protein structure and function (PolyPhen-2) suggests that this variant is likely to be tolerated. In summary, the available evidence is currently insufficient to determine the role of this variant in disease. Therefore, it has been classified as a Variant of Uncertain Significance.

NM_052844.4(DYNC2I2):c.899G>T (p.Gly300Val)

Genes: DYNC2I2 (dynein 2 intermediate chain 2; minus strand), LOC126860772 (CDK7 strongly-dependent group 2 enhancer GRCh37_chr9:131396972-131398171; plus strand). Cytogenetic location: 9q34.11.
Variant type: single nucleotide variant.
Coding change: c.899G>T on transcript NM_052844.4 (MANE Select); coding-DNA position 899, G replaced by T.
Protein change: p.Gly300Val; replaces glycine 300 with valine.
Molecular consequence: missense variant.
Genome position (GRCh38, 1-based): chr9:128,635,174, C>A on the plus strand (G>T on the coding strand, the complement: DYNC2I2 is on the minus strand). VCF-style: chr9-128635174-C-A. GRCh37 (hg19) VCF-style: chr9-131397453-C-A.
Other names: short protein forms G300V.
Identifiers: ClinVar variation 1681220 (VCV001681220.5), dbSNP rs1200480566, ClinGen allele CA375115536.